The following is an entry in ClinVar:

ClinVar aggregate classification (germline): Uncertain significance (1 of 4 stars; one submission).

Conditions:
Infantile-onset X-linked spinal muscular atrophy. Also called: Spinal muscular atrophy, X-linked 2; AMC, DISTAL, X-LINKED; ARTHROGRYPOSIS, X-LINKED, TYPE I; Spinal Muscular Atrophy, X-Linked Infantile; SPINAL MUSCULAR ATROPHY, X-LINKED LETHAL INFANTILE. Identifiers: Orphanet 1145, MedGen C1844934, MONDO:0010532, OMIM 301830.

Submission:

Labcorp Genetics (formerly Invitae), Labcorp
Classification: Uncertain significance for Infantile-onset X-linked spinal muscular atrophy. Last evaluated: 2017-11-02. Review status: criteria provided, single submitter. Criteria: Invitae Variant Classification Sherloc (09022015). Collection method: clinical testing. Allele origin: germline.
Comment: In summary, the available evidence is currently insufficient to determine the role of this variant in disease. Therefore, it has been classified as a Variant of Uncertain Significance. Algorithms developed to predict the effect of missense changes on protein structure and function (SIFT, PolyPhen-2, Align-GVGD) all suggest that this variant is likely to be tolerated, but these predictions have not been confirmed by published functional studies and their clinical significance is uncertain. This variant has not been reported in the literature in individuals with UBA1-related disease. This variant is not present in population databases (ExAC no frequency). This sequence change replaces arginine with cysteine at codon 350 of the UBA1 protein (p.Arg350Cys). The arginine residue is moderately conserved and there is a large physicochemical difference between arginine and cysteine.

NM_003334.4(UBA1):c.1048C>T (p.Arg350Cys)

Gene: UBA1 (ubiquitin like modifier activating enzyme 1; plus strand). Cytogenetic location: Xp11.3.
Variant type: single nucleotide variant.
Coding change: c.1048C>T on transcript NM_003334.4 (MANE Select); coding-DNA position 1048, C replaced by T.
Protein change: p.Arg350Cys; replaces arginine 350 with cysteine.
Molecular consequence: missense variant.
Genome position (GRCh38, 1-based): chrX:47,202,496, C>T. VCF-style: chrX-47202496-C-T. GRCh37 (hg19) VCF-style: chrX-47061895-C-T.
Other names: c.1048C>T, p.Arg350Cys (NM_153280.3); short protein forms R350C.
Identifiers: ClinVar variation 533610 (VCV000533610.8), dbSNP rs1556788657, ClinGen allele CA412795670.
Genomic context (GRCh38, chrX:47,202,496, plus strand): 5'-CACATTGGCTTCCAGGCCCTGCACCAGTTCTGTGCTCAGCATGGCCGGCCACCTCGGCCC[C>T]GCAATGAGGTGGGTGAGTGGGCGAGCCAGCCAGCGCAGACATGCCTGGCACTGCAGGCTC-3'
Protein context (NP_003325.2, residues 340-360): CAQHGRPPRP[Arg350Cys]NEEDAAELVA